The following is an entry in ClinVar:

NM_133459.4(CCBE1):c.353G>A (p.Arg118Gln)

Gene: CCBE1 (collagen and calcium binding EGF domains 1; minus strand). Cytogenetic location: 18q21.32.
Variant type: single nucleotide variant.
Coding change: c.353G>A on transcript NM_133459.4 (MANE Select); coding-DNA position 353, G replaced by A.
Protein change: p.Arg118Gln; replaces arginine 118 with glutamine.
Molecular consequence: missense variant.
Genome position (GRCh38, 1-based): chr18:59,469,520, C>T on the plus strand (G>A on the coding strand, the complement: CCBE1 is on the minus strand). VCF-style: chr18-59469520-C-T. GRCh37 (hg19) VCF-style: chr18-57136752-C-T.
Other names: short protein forms R118Q.
Identifiers: ClinVar variation 4778332 (VCV004778332.1).

ClinVar aggregate classification (germline): Uncertain significance (1 of 4 stars; one submission).

gnomAD v4.1: 11 of 1,614,200 alleles (0.00068%); highest among the groups gnomAD compares: South Asian, 0.0055%; no homozygotes.

Submission:

Labcorp Genetics (formerly Invitae), Labcorp
Classification: Uncertain significance. Last evaluated: 2025-06-29. Review status: criteria provided, single submitter. Criteria: Invitae Variant Classification Sherloc (09022015). Collection method: clinical testing. Allele origin: germline.
Comment: This sequence change replaces arginine, which is basic and polar, with glutamine, which is neutral and polar, at codon 118 of the CCBE1 protein (p.Arg118Gln). This variant is present in population databases (rs115982879, gnomAD 0.01%). This variant has not been reported in the literature in individuals affected with CCBE1-related conditions. Invitae Evidence Modeling of protein sequence and biophysical properties (such as structural, functional, and spatial information, amino acid conservation, physicochemical variation, residue mobility, and thermodynamic stability) indicates that this missense variant is not expected to disrupt CCBE1 protein function with a negative predictive value of 80%. In summary, the available evidence is currently insufficient to determine the role of this variant in disease. Therefore, it has been classified as a Variant of Uncertain Significance.